The following is an entry in ClinVar:

NM_000416.3(IFNGR1):c.871G>T (p.Val291Leu)

Gene: IFNGR1 (interferon gamma receptor 1; minus strand). Cytogenetic location: 6q23.3.
Variant type: single nucleotide variant.
Coding change: c.871G>T on transcript NM_000416.3 (MANE Select); coding-DNA position 871, G replaced by T.
Protein change: p.Val291Leu; replaces valine 291 with leucine.
Molecular consequence: missense variant.
Genome position (GRCh38, 1-based): chr6:137,198,630, C>A on the plus strand (G>T on the coding strand, the complement: IFNGR1 is on the minus strand). VCF-style: chr6-137198630-C-A. GRCh37 (hg19) VCF-style: chr6-137519767-C-A.
Other names: c.841G>T, p.Val281Leu (NM_001363526.1); c.748G>T, p.Val250Leu (NM_001363527.1); short protein forms V291L, V250L, V281L.
Identifiers: ClinVar variation 531668 (VCV000531668.11), dbSNP rs1554226264, ClinGen allele CA365773310.
Genomic context (GRCh38, chr6:137,198,630, plus strand): 5'-ATGACGTGATGAGTGATACATATTTTGATTCAGGTTTTGTCTCTAAAGTAGCACTTCTTA[C>A]CACAGAGATCTATGGGGAGAAAAATTGATTAAAGATAAAAAATTGTTAAGCTTAAGTGCC-3'
Protein context (NP_000407.1, residues 281-301): IILPKSLISV[Val291Leu]RSATLETKPE

ClinVar aggregate classification (germline): Uncertain significance. Review status: criteria provided, multiple submitters, no conflicts (2 of 4 stars). 2 submissions from 2 submitters: Uncertain significance (2). Last evaluated 2024-12-03.

Conditions:
IFNGR1-related disorder. Also called: IFNGR1-related condition.
Disseminated atypical mycobacterial infection. Identifiers: MedGen C0694566.

gnomAD v4.1: 1 of 1,610,362 alleles (0.000062%); no homozygotes.

Submissions (2):

PreventionGenetics, part of Exact Sciences
Classification: Uncertain significance for IFNGR1-related condition. Last evaluated: 2024-12-03. Review status: criteria provided, single submitter. Criteria: ACMG Guidelines, 2015. Collection method: clinical testing. Allele origin: germline.
Comment: The IFNGR1 c.871G>T variant is predicted to result in the amino acid substitution p.Val291Leu. To our knowledge, this variant has not been reported in the literature or in a large population database (gnomAD), indicating this variant is rare. At this time, the clinical significance of this variant is uncertain due to the absence of conclusive functional and genetic evidence.

Labcorp Genetics (formerly Invitae), Labcorp
Classification: Uncertain significance for Disseminated atypical mycobacterial infection. Last evaluated: 2017-12-27. Review status: criteria provided, single submitter. Criteria: Invitae Variant Classification Sherloc (09022015). Collection method: clinical testing. Allele origin: germline.
Comment: This sequence change replaces valine with leucine at codon 291 of the IFNGR1 protein (p.Val291Leu). The valine residue is highly conserved and there is a small physicochemical difference between valine and leucine. This variant is not present in population databases (ExAC no frequency). This variant has not been reported in the literature in individuals with IFNGR1-related disease. Algorithms developed to predict the effect of missense changes on protein structure and function do not agree on the potential impact of this missense change (SIFT: "Deleterious"; PolyPhen-2: "Probably Damaging"; Align-GVGD: "Class C0"). In summary, the available evidence is currently insufficient to determine the role of this variant in disease. Therefore, it has been classified as a Variant of Uncertain Significance.